The following is an entry in ClinVar:

ClinVar aggregate classification (germline): Uncertain significance (1 of 4 stars; one submission).

Conditions:
Inborn genetic diseases. Identifiers: MedGen C0950123, MeSH D030342.

gnomAD v4.1: 2 of 1,613,968 alleles (0.00012%); highest among the groups gnomAD compares: Non-Finnish European, 0.00017%; no homozygotes.

Submission:

Ambry Genetics
Classification: Uncertain significance for Inborn genetic diseases. Last evaluated: 2025-04-13. Review status: criteria provided, single submitter. Criteria: Ambry Variant Classification Scheme 2023. Collection method: clinical testing. Allele origin: germline.
Comment: The p.I648T variant (also known as c.1943T>C), located in coding exon 1 of the SAMD9 gene, results from a T to C substitution at nucleotide position 1943. The isoleucine at codon 648 is replaced by threonine, an amino acid with similar properties. This amino acid position is conserved. In addition, this alteration is predicted to be tolerated by in silico analysis. Based on the available evidence, the clinical significance of this variant remains unclear.

NM_017654.4(SAMD9):c.1943T>C (p.Ile648Thr)

Gene: SAMD9 (sterile alpha motif domain containing 9; minus strand). Cytogenetic location: 7q21.2.
Variant type: single nucleotide variant.
Coding change: c.1943T>C on transcript NM_017654.4 (MANE Select); coding-DNA position 1943, T replaced by C.
Protein change: p.Ile648Thr; replaces isoleucine 648 with threonine.
Molecular consequence: missense variant.
Genome position (GRCh38, 1-based): chr7:93,104,155, A>G on the plus strand (T>C on the coding strand, the complement: SAMD9 is on the minus strand). VCF-style: chr7-93104155-A-G. GRCh37 (hg19) VCF-style: chr7-92733468-A-G.
Other names: c.1943T>C, p.Ile648Thr (NM_001193307.2); short protein forms I648T.
Identifiers: ClinVar variation 3949548 (VCV003949548.1).
Genomic context (GRCh38, chr7:93,104,155, plus strand): 5'-TCCTTCTCTAACAGTGTACCCTCACATTCATTTTCACAGATAATTTCCAGAGCAGTCATG[A>G]TATCTTCTTCCTTTTTCAGAAGGACAGTCGATAAACCAATAGATGGCAAAAGCCTTTTTG-3'
Protein context (NP_060124.2, residues 638-658): STVLLKKEED[Ile648Thr]MTALEIICEN